The following is an entry in ClinVar:

NM_021969.3(NR0B2):c.703C>T (p.Leu235Phe)

Genes: NR0B2 (nuclear receptor subfamily 0 group B member 2; minus strand), NUDC (nuclear distribution C, dynein complex regulator; plus strand). Cytogenetic location: 1p36.11.
Variant type: single nucleotide variant.
Coding change: c.703C>T on transcript NM_021969.3 (MANE Select); coding-DNA position 703, C replaced by T.
Protein change: p.Leu235Phe; replaces leucine 235 with phenylalanine.
Molecular consequence: missense variant.
Genome position (GRCh38, 1-based): chr1:26,911,916, G>A on the plus strand (C>T on the coding strand, the complement: NR0B2 is on the minus strand). VCF-style: chr1-26911916-G-A. GRCh37 (hg19) VCF-style: chr1-27238407-G-A.
Other names: c.703C>T (NM_021969.2); short protein forms L235F.
Identifiers: ClinVar variation 3614356 (VCV003614356.3).

ClinVar aggregate classification (germline): Uncertain significance. Review status: criteria provided, multiple submitters, no conflicts (2 of 4 stars). 2 submissions from 2 submitters: Uncertain significance (2). Last evaluated 2025-10-30.

gnomAD v4.1: 31 of 1,614,078 alleles (0.0019%); highest among the groups gnomAD compares: Non-Finnish European, 0.0025%; no homozygotes.

Submissions (2):

Ambry Genetics
Classification: Uncertain significance. Last evaluated: 2025-10-30. Review status: criteria provided, single submitter. Criteria: Ambry Variant Classification Scheme 2023. Collection method: clinical testing. Allele origin: germline.

Labcorp Genetics (formerly Invitae), Labcorp
Classification: Uncertain significance. Last evaluated: 2024-08-27. Review status: criteria provided, single submitter. Criteria: Invitae Variant Classification Sherloc (09022015). Collection method: clinical testing. Allele origin: germline.
Comment: This sequence change replaces leucine, which is neutral and non-polar, with phenylalanine, which is neutral and non-polar, at codon 235 of the NR0B2 protein (p.Leu235Phe). This variant is present in population databases (rs758335651, gnomAD 0.003%). This variant has not been reported in the literature in individuals affected with NR0B2-related conditions. Invitae Evidence Modeling of protein sequence and biophysical properties (such as structural, functional, and spatial information, amino acid conservation, physicochemical variation, residue mobility, and thermodynamic stability) indicates that this missense variant is not expected to disrupt NR0B2 protein function with a negative predictive value of 80%. In summary, the available evidence is currently insufficient to determine the role of this variant in disease. Therefore, it has been classified as a Variant of Uncertain Significance.